The following is an entry in ClinVar:

NM_001367624.2(ZNF469):c.6081C>T (p.Thr2027=)

Gene: ZNF469 (zinc finger protein 469; plus strand). Cytogenetic location: 16q24.2.
Variant type: single nucleotide variant.
Coding change: c.6081C>T on transcript NM_001367624.2 (MANE Select); coding-DNA position 6081, C replaced by T.
Protein change: p.Thr2027=; no amino-acid change (threonine 2027 retained).
Molecular consequence: synonymous variant.
Genome position (GRCh38, 1-based): chr16:88,433,551, C>T. VCF-style: chr16-88433551-C-T. GRCh37 (hg19) VCF-style: chr16-88499959-C-T.
Other names: NM_001127464.1:c.5997C>T; NM_001127464.2:c.5997C>T.
Identifiers: ClinVar variation 1750922 (VCV001750922.9), dbSNP rs577303475, ClinGen allele CA8225127.

ClinVar aggregate classification (germline): Likely benign. Review status: criteria provided, multiple submitters, no conflicts (2 of 4 stars). 3 submissions from 3 submitters: Likely benign (2). 1 of the submissions does not count toward it. Last evaluated 2024-05-23.

Conditions:
Cardiovascular phenotype. Identifiers: MedGen CN230736.
ZNF469-related disorder. Also called: ZNF469-related condition.

Allele frequency attached by ClinVar (database versions not stated): gnomAD exomes 0.00001; ExAC 0.00005; TOPMed 0.00013; gnomAD 0.00017; 1000 Genomes Project 0.00040; 1000 Genomes Project 30x 0.00047.
gnomAD v4.1: 41 of 1,550,242 alleles (0.0026%); highest among the groups gnomAD compares: African/African-American, 0.049%; no homozygotes.

Submissions (3):

Labcorp Genetics (formerly Invitae), Labcorp
Classification: Likely benign. Last evaluated: 2024-05-23. Review status: criteria provided, single submitter. Criteria: Invitae Variant Classification Sherloc (09022015). Collection method: clinical testing. Allele origin: germline.

Ambry Genetics
Classification: Likely benign for Cardiovascular phenotype. Last evaluated: 2022-03-17. Review status: criteria provided, single submitter. Criteria: Ambry Variant Classification Scheme 2023. Collection method: clinical testing. Allele origin: germline.

PreventionGenetics, part of Exact Sciences
Classification: Likely benign for ZNF469-related condition. Last evaluated: 2022-08-18. Review status: no assertion criteria provided. Collection method: clinical testing. Allele origin: germline. Not counted in ClinVar's aggregate classification.
Comment: This variant is classified as likely benign based on ACMG/AMP sequence variant interpretation guidelines (Richards et al. 2015 PMID: 25741868, with internal and published modifications).